The following is an entry in ClinVar:

ClinVar aggregate classification (germline): Uncertain significance (1 of 4 stars; one submission).

Submission:

Labcorp Genetics (formerly Invitae), Labcorp
Classification: Uncertain significance. Last evaluated: 2023-03-27. Review status: criteria provided, single submitter. Criteria: Invitae Variant Classification Sherloc (09022015). Collection method: clinical testing. Allele origin: germline.
Comment: In summary, the available evidence is currently insufficient to determine the role of this variant in disease. Therefore, it has been classified as a Variant of Uncertain Significance. An algorithm developed to predict the effect of missense changes on protein structure and function (PolyPhen-2) suggests that this variant is likely to be tolerated. This variant has not been reported in the literature in individuals affected with SH2B1-related conditions. This variant is not present in population databases (gnomAD no frequency). This sequence change replaces glutamic acid, which is acidic and polar, with glycine, which is neutral and non-polar, at codon 741 of the SH2B1 protein (p.Glu741Gly).

NM_001387430.1(SH2B1):c.2222A>G (p.Glu741Gly)

Gene: SH2B1 (SH2B adaptor protein 1; plus strand). Cytogenetic location: 16p11.2.
Variant type: single nucleotide variant.
Coding change: c.2222A>G on transcript NM_001387430.1 (MANE Select); coding-DNA position 2222, A replaced by G.
Protein change: p.Glu741Gly; replaces glutamic acid 741 with glycine.
Molecular consequence: missense variant. On other transcripts: 3 prime UTR variant (5).
Genome position (GRCh38, 1-based): chr16:28,873,771, A>G. VCF-style: chr16-28873771-A-G. GRCh37 (hg19) VCF-style: chr16-28885092-A-G.
Other names: c.2222A>G, p.Glu741Gly (NM_001145795.2, NM_001308293.2, NM_001387404.1); c.*306A>G (NM_001145796.2, NM_001145812.2, NM_001308294.2 and 1 more transcripts); c.*323A>G (NM_001145797.2); short protein forms E741G.
Identifiers: ClinVar variation 2846419 (VCV002846419.3), dbSNP rs2506206824, ClinGen allele CA395398570.
Genomic context (GRCh38, chr16:28,873,771, plus strand): 5'-GGGACGCGGGGGTGCCCCCAATGGTGCAGCTGCAGCAGTCACCACTAGGGGGTGATGGAG[A>G]GGAAGGGGGCCACCCCAGGGCCATTAACAACCAGTACTCCTTCGTGTGAGCCAACCCCAC-3'
Protein context (NP_001374359.1, residues 731-751): LQQSPLGGDG[Glu741Gly]EGGHPRAINN